The following is an entry in ClinVar:

NM_182641.4(BPTF):c.4249T>C (p.Tyr1417His)

Gene: BPTF (bromodomain PHD finger transcription factor; plus strand). Cytogenetic location: 17q24.2.
Variant type: single nucleotide variant.
Coding change: c.4249T>C on transcript NM_182641.4 (MANE Select); coding-DNA position 4249, T replaced by C.
Protein change: p.Tyr1417His; replaces tyrosine 1417 with histidine.
Molecular consequence: missense variant.
Genome position (GRCh38, 1-based): chr17:67,912,133, T>C. VCF-style: chr17-67912133-T-C. GRCh37 (hg19) VCF-style: chr17-65908249-T-C.
Other names: c.4627T>C, p.Tyr1543His (NM_004459.7); short protein forms Y1543H, Y1417H.
Identifiers: ClinVar variation 3134895 (VCV003134895.3), dbSNP rs368920109, ClinGen allele CA8725768.
Genomic context (GRCh38, chr17:67,912,133, plus strand): 5'-AAGAAAGGACAGAGAACAAGTACATTTCAAATAAATGGAAAAGATAATAAACCCAAAATA[T>C]ATTTGAAAGGTGAATGCTTGAAAGAAATTTCTGAGAGTAGAGTAGTAAGTGGTAATGTTG-3'
Protein context (NP_872579.2, residues 1407-1427): INGKDNKPKI[Tyr1417His]LKGECLKEIS

ClinVar aggregate classification (germline): Uncertain significance. Review status: criteria provided, multiple submitters, no conflicts (2 of 4 stars). 2 submissions from 2 submitters: Uncertain significance (2). Last evaluated 2024-04-02.

Conditions:
Inborn genetic diseases. Identifiers: MedGen C0950123, MeSH D030342.

Allele frequency attached by ClinVar (database versions not stated): gnomAD 0.00002; ExAC 0.00003; ESP Exome Variant Server 0.00008.
gnomAD v4.1: 40 of 1,610,762 alleles (0.0025%); highest among the groups gnomAD compares: Middle Eastern, 0.016%; no homozygotes.

Submissions (2):

Labcorp Genetics (formerly Invitae), Labcorp
Classification: Uncertain significance. Last evaluated: 2024-04-02. Review status: criteria provided, single submitter. Criteria: Invitae Variant Classification Sherloc (09022015). Collection method: clinical testing. Allele origin: germline.
Comment: This sequence change replaces tyrosine, which is neutral and polar, with histidine, which is basic and polar, at codon 1543 of the BPTF protein (p.Tyr1543His). This variant is present in population databases (rs368920109, gnomAD 0.01%). This variant has not been reported in the literature in individuals affected with BPTF-related conditions. Algorithms developed to predict the effect of missense changes on protein structure and function output the following: SIFT: "Not Available"; PolyPhen-2: "Benign"; Align-GVGD: "Not Available". The histidine amino acid residue is found in multiple mammalian species, which suggests that this missense change does not adversely affect protein function. In summary, the available evidence is currently insufficient to determine the role of this variant in disease. Therefore, it has been classified as a Variant of Uncertain Significance.

Ambry Genetics
Classification: Uncertain significance for Inborn genetic diseases. Last evaluated: 2024-01-02. Review status: criteria provided, single submitter. Criteria: Ambry Variant Classification Scheme 2023. Collection method: clinical testing. Allele origin: germline.